The following is an entry in ClinVar:

NM_024537.4(CARS2):c.884A>C (p.Gln295Pro)

Gene: CARS2 (cysteinyl-tRNA synthetase 2, mitochondrial; minus strand). Cytogenetic location: 13q34.
Variant type: single nucleotide variant.
Coding change: c.884A>C on transcript NM_024537.4 (MANE Select); coding-DNA position 884, A replaced by C.
Protein change: p.Gln295Pro; replaces glutamine 295 with proline.
Molecular consequence: missense variant. On other transcripts: non-coding transcript variant (2).
Genome position (GRCh38, 1-based): chr13:110,667,375, T>G on the plus strand (A>C on the coding strand, the complement: CARS2 is on the minus strand). VCF-style: chr13-110667375-T-G. GRCh37 (hg19) VCF-style: chr13-111319722-T-G.
Other names: c.98A>C, p.Gln33Pro (NM_001352252.2); c.884A>C, p.Gln295Pro (NM_001352253.3); short protein forms Q295P, Q33P.
Identifiers: ClinVar variation 1053205 (VCV001053205.9), dbSNP rs781605848, ClinGen allele CA7052049.

ClinVar aggregate classification (germline): Uncertain significance (1 of 4 stars; one submission).

Conditions:
Combined oxidative phosphorylation defect type 27. Also called: Combined oxidative phosphorylation deficiency 27. Identifiers: Orphanet 477774, MedGen C5567608, MONDO:0014728, OMIM 616672.

Allele frequency attached by ClinVar (database versions not stated): gnomAD 0.00001; gnomAD exomes below 0.00001; TOPMed below 0.00001; ExAC 0.00001.
gnomAD v4.1: 2 of 1,613,494 alleles (0.00012%); highest among the groups gnomAD compares: Non-Finnish European, 0.00017%; no homozygotes.

Submission:

Labcorp Genetics (formerly Invitae), Labcorp
Classification: Uncertain significance for Combined oxidative phosphorylation defect type 27. Last evaluated: 2020-03-18. Review status: criteria provided, single submitter. Criteria: Invitae Variant Classification Sherloc (09022015). Collection method: clinical testing. Allele origin: germline.
Comment: This variant has not been reported in the literature in individuals with CARS2-related conditions. In summary, the available evidence is currently insufficient to determine the role of this variant in disease. Therefore, it has been classified as a Variant of Uncertain Significance. Algorithms developed to predict the effect of missense changes on protein structure and function are either unavailable or do not agree on the potential impact of this missense change (SIFT: "Deleterious"; PolyPhen-2: "Possibly Damaging"; Align-GVGD: "Class C0"). The frequency data for this variant in the population databases is considered unreliable, as metrics indicate poor data quality at this position in the ExAC database. This sequence change replaces glutamine with proline at codon 295 of the CARS2 protein (p.Gln295Pro). The glutamine residue is highly conserved and there is a moderate physicochemical difference between glutamine and proline.